The following is an entry in ClinVar:

NM_000329.3(RPE65):c.693C>A (p.Cys231Ter)

Gene: RPE65 (retinoid isomerohydrolase RPE65; minus strand). Cytogenetic location: 1p31.3.
Variant type: single nucleotide variant.
Coding change: c.693C>A on transcript NM_000329.3 (MANE Select); coding-DNA position 693, C replaced by A.
Protein change: p.Cys231Ter; replaces cysteine 231 with a stop codon.
Molecular consequence: nonsense.
Genome position (GRCh38, 1-based): chr1:68,439,593, G>T on the plus strand (C>A on the coding strand, the complement: RPE65 is on the minus strand). VCF-style: chr1-68439593-G-T. GRCh37 (hg19) VCF-style: chr1-68905276-G-T.
Other names: short protein forms C231*.
Identifiers: ClinVar variation 1213913 (VCV001213913.3), dbSNP rs2100819756, ClinGen allele CA340745977.
Genomic context (GRCh38, chr1:68,439,593, plus strand): 5'-GAAGATTCATAGCAGGCCTTCAAGTTACCTATGAACGTAAGATGGCTTGAATCGGTCACT[G>T]CAGGGGAATTGTACAACGATCTCTGACTTGCTTATTGGATCTTCCTTGTCTGAAATAAAG-3'

ClinVar aggregate classification (germline): Pathogenic. Review status: criteria provided, multiple submitters, no conflicts (2 of 4 stars). 2 submissions from 2 submitters: Pathogenic (2). Last evaluated 2024-05-08.

Conditions:
Leber congenital amaurosis 2 (LCA2). Also called: AMAUROSIS CONGENITA OF LEBER II; Autosomal Recessive RPE65-Related Retinal Degeneration. Identifiers: Orphanet 65, MedGen C1859844, MONDO:0008765, OMIM 204100. Disease mechanism: loss of function.
RPE65-related recessive retinopathy. Also called: Recessive RPE65 retinopathy. Identifiers: MedGen CN305526, MONDO:0100368.

Submissions (2):

Myriad Genetics, Inc.
Classification: Pathogenic for RPE65-related recessive retinopathy. Last evaluated: 2024-05-08. Review status: criteria provided, single submitter. Criteria: Myriad Autosomal Dominant, Autosomal Recessive and X-Linked Classification Criteria (2023). Collection method: clinical testing. Allele origin: unknown.
Comment: NM_000329.2(RPE65):c.693C>A(C231*) is expected to be pathogenic in the context of inherited retinal dystrophy, RPE65-related. This variant is predicted to lead to an abnormal or absent protein product due to the creation of a premature termination codon in RPE65, a gene where loss-of-function variants are known to be pathogenic. Please note: this variant was assessed in the context of healthy population screening.

DBGen Ocular Genomics
Classification: Pathogenic for Leber congenital amaurosis 2. Last evaluated: 2021-06-22. Review status: criteria provided, single submitter. Criteria: ACMG Guidelines, 2015. Collection method: clinical testing. Allele origin: germline. Affected: yes. Observed: 1 variant allele.